The following is an entry in ClinVar:

ClinVar aggregate classification (germline): Conflicting classifications of pathogenicity. Review status: criteria provided, conflicting classifications (1 of 4 stars). 3 submissions from 3 submitters: Likely pathogenic (1); Uncertain significance (2). Last evaluated 2022-11-15.

Conditions:
C1orf69/IBA57-related disorder. Also called: C1orf69/IBA57-Related Disorders.
Hereditary spastic paraplegia 74. Also called: Spastic paraplegia 74, autosomal recessive. Identifiers: Orphanet 468661, MedGen C5568837, MONDO:0014644, OMIM 616451.
Multiple mitochondrial dysfunctions syndrome 3 (MMDS3). Identifiers: Orphanet 363424, MedGen C3809165, MONDO:0014132, OMIM 615330.

Allele frequency attached by ClinVar (database versions not stated): gnomAD exomes below 0.00001.

Submissions (3):

Labcorp Genetics (formerly Invitae), Labcorp
Classification: Uncertain significance for Multiple mitochondrial dysfunctions syndrome 3; Hereditary spastic paraplegia 74. Last evaluated: 2022-11-15. Review status: criteria provided, single submitter. Criteria: Invitae Variant Classification Sherloc (09022015). Collection method: clinical testing. Allele origin: germline.
Comment: In summary, the available evidence is currently insufficient to determine the role of this variant in disease. Therefore, it has been classified as a Variant of Uncertain Significance. This variant disrupts a region of the IBA57 protein in which other variant(s) (p.Gln314Pro) have been observed in individuals with IBA57-related conditions (PMID: 23462291). This suggests that this is a clinically significant region of the protein, and that variants that disrupt it are likely to be disease-causing. This variant has not been reported in the literature in individuals affected with IBA57-related conditions. This variant is not present in population databases (gnomAD no frequency). This sequence change creates a premature translational stop signal (p.Gln305*) in the IBA57 gene. While this is not anticipated to result in nonsense mediated decay, it is expected to disrupt the last 52 amino acid(s) of the IBA57 protein.

Women's Health and Genetics/Laboratory Corporation of America, LabCorp
Classification: Likely pathogenic for C1orf69/IBA57-Related Disorders. Last evaluated: 2022-09-30. Review status: criteria provided, single submitter. Criteria: LabCorp Variant Classification Summary - May 2015. Collection method: clinical testing. Allele origin: germline.
Comment: Variant summary: C1orf69 (aka. IBA57) c.913C>T (p.Gln305X) results in a premature termination codon located in the last exon, therefore it is not expected to cause nonsense mediated decay (NMD), but is predicted to cause a truncation of the encoded protein, removing a large part of the 356 amino acid long protein. A truncation downstream of this position (Gln314X) has been reported in two affected individuals within the same family, where protein expression analysis revealed a substantial decrease in IBA57 protein levels in patient derived myoblasts and fibroblasts (PMID 28913435). The variant was absent in 250172 control chromosomes (gnomAD). To our knowledge, no occurrence of c.913C>T in individuals affected with C1orf69-Related Disorders and no experimental evidence demonstrating its impact on protein function have been reported. No clinical diagnostic laboratories have submitted clinical-significance assessments for this variant to ClinVar after 2014. Based on the evidence outlined above, the variant was classified as likely pathogenic.

Blueprint Genetics
Classification: Uncertain significance. Last evaluated: 2022-08-15. Review status: criteria provided, single submitter. Criteria: ACMG Guidelines, 2015. Collection method: clinical testing. Allele origin: germline.

Literature cited by the submitters: PubMed 23462291 (cited by Labcorp Genetics (formerly Invitae), Labcorp).

NM_001010867.4(IBA57):c.913C>T (p.Gln305Ter)

Gene: IBA57 (iron-sulfur cluster assembly factor IBA57; plus strand). Cytogenetic location: 1q42.13.
Variant type: single nucleotide variant.
Coding change: c.913C>T on transcript NM_001010867.4 (MANE Select); coding-DNA position 913, C replaced by T.
Protein change: p.Gln305Ter; replaces glutamine 305 with a stop codon.
Molecular consequence: nonsense.
Genome position (GRCh38, 1-based): chr1:228,175,355, C>T. VCF-style: chr1-228175355-C-T. GRCh37 (hg19) VCF-style: chr1-228363056-C-T.
Other names: c.334C>T, p.Gln112Ter (NM_001310327.2); short protein forms Q112*, Q305*.
Identifiers: ClinVar variation 1722360 (VCV001722360.7), dbSNP rs2527921101, ClinGen allele CA345116627.
Genomic context (GRCh38, chr1:228,175,355, plus strand): 5'-TTGGACCCCCTTCCCACCAGTGGCATCACCCCTGGTGCCACGGTGCTGACTGCCTCAGGA[C>T]AGACTGTGGGCAAGTTCAGGGCTGGCCAGGGCAACGTGGGGCTGGCCCTGCTGTGGTCAG-3'